The following is an entry in ClinVar:

ClinVar aggregate classification (germline): Likely benign (1 of 4 stars; one submission).

Submission:

CeGaT Center for Human Genetics Tuebingen
Classification: Likely benign. Last evaluated: 2026-08-01. Review status: criteria provided, single submitter. Criteria: CeGaT Center For Human Genetics Tuebingen Variant Classification Criteria Version 2. Collection method: clinical testing. Allele origin: germline. Affected: yes. Observed: 6 variant alleles.
Comment: BTBD17: PM2:Supporting, BP4, BP7

NM_001080466.2(BTBD17):c.1152G>A (p.Ala384=)

Gene: BTBD17 (BTB domain containing 17; minus strand). Cytogenetic location: 17q25.1.
Variant type: single nucleotide variant.
Coding change: c.1152G>A on transcript NM_001080466.2 (MANE Select); coding-DNA position 1152, G replaced by A.
Protein change: p.Ala384=; no amino-acid change (alanine 384 retained).
Molecular consequence: synonymous variant.
Genome position (GRCh38, 1-based): chr17:74,356,942, C>T on the plus strand (G>A on the coding strand, the complement: BTBD17 is on the minus strand). VCF-style: chr17-74356942-C-T. GRCh37 (hg19) VCF-style: chr17-72353081-C-T.
Identifiers: ClinVar variation 2648203 (VCV002648203.24), dbSNP rs1367139641, ClinGen allele CA502029915.